The following is an entry in ClinVar:

ClinVar aggregate classification (germline): Uncertain significance (1 of 4 stars; one submission).

Submission:

GeneDx
Classification: Uncertain significance. Last evaluated: 2026-04-10. Review status: criteria provided, single submitter. Criteria: GeneDx Variant Classification Process June 2021. Collection method: clinical testing. Allele origin: germline.
Comment: Not observed at significant frequency in large population cohorts (gnomAD); In silico analysis suggests that this missense variant does not alter protein structure/function; Has not been previously published as pathogenic or benign to our knowledge

NM_006662.3(SRCAP):c.3043C>G (p.Pro1015Ala)

Gene: SRCAP (Snf2 related CREBBP activator protein; plus strand). Cytogenetic location: 16p11.2.
Variant type: single nucleotide variant.
Coding change: c.3043C>G on transcript NM_006662.3 (MANE Select); coding-DNA position 3043, C replaced by G.
Protein change: p.Pro1015Ala; replaces proline 1015 with alanine.
Molecular consequence: missense variant.
Genome position (GRCh38, 1-based): chr16:30,720,768, C>G. VCF-style: chr16-30720768-C-G. GRCh37 (hg19) VCF-style: chr16-30732089-C-G.
Other names: short protein forms P1015A.
Identifiers: ClinVar variation 5018407 (VCV005018407.1).